The following is an entry in ClinVar:

NM_001369369.1(FOXN1):c.546C>T (p.Asn182=)

Gene: FOXN1 (forkhead box N1; plus strand). Cytogenetic location: 17q11.2.
Variant type: single nucleotide variant.
Coding change: c.546C>T on transcript NM_001369369.1 (MANE Select); coding-DNA position 546, C replaced by T.
Protein change: p.Asn182=; no amino-acid change (asparagine 182 retained).
Molecular consequence: synonymous variant.
Genome position (GRCh38, 1-based): chr17:28,524,925, C>T. VCF-style: chr17-28524925-C-T. GRCh37 (hg19) VCF-style: chr17-26851943-C-T.
Other names: c.546C>T, p.Asn182= (NM_003593.3).
Identifiers: ClinVar variation 322419 (VCV000322419.50), dbSNP rs62640040, ClinGen allele CA8459253.

ClinVar aggregate classification (germline): Conflicting classifications of pathogenicity. Review status: criteria provided, conflicting classifications (1 of 4 stars). 5 submissions from 5 submitters: Uncertain significance (1); Likely benign (4). Last evaluated 2026-02-04.

Conditions:
T-cell immunodeficiency, congenital alopecia, and nail dystrophy. Also called: Congenital alopecia and nail dystrophy associated with severe functional T-cell immunodeficiency; Pignata Guarino syndrome. Identifiers: Orphanet 169095, MedGen C1866426, MONDO:0011132, OMIM 601705.

Allele frequency attached by ClinVar (database versions not stated): gnomAD 0.00123 and 0.00125; TOPMed 0.00126; 1000 Genomes Project 0.00080; ESP Exome Variant Server 0.00092; 1000 Genomes Project 30x 0.00094; ExAC 0.00098.
gnomAD v4.1: 2,957 of 1,612,664 alleles (0.18%); highest among the groups gnomAD compares: Non-Finnish European, 0.22%; 2 homozygotes.

Submissions (5):

Labcorp Genetics (formerly Invitae), Labcorp
Classification: Likely benign for T-cell immunodeficiency, congenital alopecia, and nail dystrophy. Last evaluated: 2026-02-04. Review status: criteria provided, single submitter. Criteria: Invitae Variant Classification Sherloc (09022015). Collection method: clinical testing. Allele origin: germline.

Blueprint Genetics
Classification: Likely benign. Last evaluated: 2024-10-31. Review status: criteria provided, single submitter. Criteria: ACMG Guidelines, 2015. Collection method: clinical testing. Allele origin: germline.

CeGaT Center for Human Genetics Tuebingen
Classification: Likely benign. Last evaluated: 2023-04-01. Review status: criteria provided, single submitter. Criteria: CeGaT Center For Human Genetics Tuebingen Variant Classification Criteria Version 2. Collection method: clinical testing. Allele origin: germline. Affected: yes. Observed: 3 variant alleles.
Comment: FOXN1: BP4, BP7

GeneDx
Classification: Likely benign. Last evaluated: 2018-02-05. Review status: criteria provided, single submitter. Criteria: GeneDx Variant Classification (06012015). Collection method: clinical testing. Allele origin: germline. Affected: yes.
Comment: This variant is considered likely benign or benign based on one or more of the following criteria: it is a conservative change, it occurs at a poorly conserved position in the protein, it is predicted to be benign by multiple in silico algorithms, and/or has population frequency not consistent with disease.

Illumina Laboratory Services, Illumina
Classification: Uncertain significance for T-cell immunodeficiency, congenital alopecia, and nail dystrophy. Last evaluated: 2018-01-13. Review status: criteria provided, single submitter. Criteria: ICSL Variant Classification Criteria 13 December 2019. Collection method: clinical testing. Allele origin: germline.